The following is an entry in ClinVar:

NM_000521.4(HEXB):c.1169+1G>A

Gene: HEXB (hexosaminidase subunit beta; plus strand). Cytogenetic location: 5q13.3.
Variant type: single nucleotide variant.
Coding change: c.1169+1G>A on transcript NM_000521.4 (MANE Select); the canonical splice donor site of the intron after coding-DNA position 1169, G replaced by A.
Molecular consequence: splice donor variant.
Genome position (GRCh38, 1-based): chr5:74,716,674, G>A. VCF-style: chr5-74716674-G-A. GRCh37 (hg19) VCF-style: chr5-74012499-G-A.
Other names: c.494+1G>A (NM_001292004.2).
Identifiers: ClinVar variation 2844776 (VCV002844776.3), dbSNP rs2112177192, ClinGen allele CA360069340.

ClinVar aggregate classification (germline): Likely pathogenic (1 of 4 stars; one submission).

Conditions:
Sandhoff disease. Also called: Beta-hexosaminidase-beta-subunit deficiency; GM2 gangliosidosis, type 2; Total hexosaminidase deficiency; Sandhoff-Jatzkewitz-Pilz disease; GM2-GANGLIOSIDOSIS, TYPE II; HEXOSAMINIDASES A AND B DEFICIENCY. Identifiers: Orphanet 796, MedGen C0036161, MONDO:0010006, OMIM 268800.

Submission:

Labcorp Genetics (formerly Invitae), Labcorp
Classification: Likely pathogenic for Sandhoff disease. Last evaluated: 2023-08-19. Review status: criteria provided, single submitter. Criteria: Invitae Variant Classification Sherloc (09022015). Collection method: clinical testing. Allele origin: germline.
Comment: In summary, the currently available evidence indicates that the variant is pathogenic, but additional data are needed to prove that conclusively. Therefore, this variant has been classified as Likely Pathogenic. Algorithms developed to predict the effect of sequence changes on RNA splicing suggest that this variant may disrupt the consensus splice site. This variant has not been reported in the literature in individuals affected with HEXB-related conditions. This variant is not present in population databases (gnomAD no frequency). This sequence change affects a donor splice site in intron 9 of the HEXB gene. It is expected to disrupt RNA splicing. Variants that disrupt the donor or acceptor splice site typically lead to a loss of protein function (PMID: 16199547), and loss-of-function variants in HEXB are known to be pathogenic (PMID: 7550345, 18758829).

Literature cited by the submitters: PubMed 16199547; PubMed 7550345; PubMed 18758829.